The following is an entry in ClinVar:

ClinVar aggregate classification (germline): Uncertain significance (1 of 4 stars; one submission).

gnomAD v4.1: 38 of 1,551,778 alleles (0.0024%); highest among the groups gnomAD compares: East Asian, 0.012%; no homozygotes.

Submission:

Labcorp Genetics (formerly Invitae), Labcorp
Classification: Uncertain significance. Last evaluated: 2024-11-04. Review status: criteria provided, single submitter. Criteria: Invitae Variant Classification Sherloc (09022015). Collection method: clinical testing. Allele origin: germline.
Comment: This sequence change replaces threonine, which is neutral and polar, with methionine, which is neutral and non-polar, at codon 2078 of the LOXHD1 protein (p.Thr2078Met). This variant is present in population databases (rs575597890, gnomAD 0.02%). This variant has not been reported in the literature in individuals affected with LOXHD1-related conditions. An algorithm developed to predict the effect of missense changes on protein structure and function outputs the following: PolyPhen-2: "Possibly Damaging". The methionine amino acid residue is found in multiple mammalian species, which suggests that this missense change does not adversely affect protein function. In summary, the available evidence is currently insufficient to determine the role of this variant in disease. Therefore, it has been classified as a Variant of Uncertain Significance.

NM_001384474.1(LOXHD1):c.6419C>T (p.Thr2140Met)

Gene: LOXHD1 (lipoxygenase homology PLAT domains 1; minus strand). Cytogenetic location: 18q21.1.
Variant type: single nucleotide variant.
Coding change: c.6419C>T on transcript NM_001384474.1 (MANE Select); coding-DNA position 6419, C replaced by T.
Protein change: p.Thr2140Met; replaces threonine 2140 with methionine.
Molecular consequence: missense variant.
Genome position (GRCh38, 1-based): chr18:46,477,875, G>A on the plus strand (C>T on the coding strand, the complement: LOXHD1 is on the minus strand). VCF-style: chr18-46477875-G-A. GRCh37 (hg19) VCF-style: chr18-44057838-G-A.
Other names: c.3086C>T, p.Thr1029Met (NM_001145472.3); c.1136C>T, p.Thr379Met (NM_001145473.3, NM_001173129.2); c.2798C>T, p.Thr933Met (NM_001308013.2); c.6233C>T, p.Thr2078Met (NM_144612.7); short protein forms T2078M, T2140M, T379M, T933M, T1029M.
Identifiers: ClinVar variation 3709973 (VCV003709973.1).
Genomic context (GRCh38, chr18:46,477,875, plus strand): 5'-ACGATGACTTCGTACTTGACGGGCACCAGGCTCTGGACCTTGCTGGCAAAGCTCTCTGTC[G>A]TCTTGGTAACCTCGAATACCTTGAAGTACTTCCTCTTCCTCTTGAGGGGGATGAGGCAGT-3'
Protein context (NP_001371403.1, residues 2130-2150): KYFKVFEVTK[Thr2140Met]TESFASKVQS